The following is an entry in ClinVar:

ClinVar aggregate classification (germline): Uncertain significance (1 of 4 stars; one submission).

Conditions:
Inborn genetic diseases. Identifiers: MedGen C0950123, MeSH D030342.

Submission:

Ambry Genetics
Classification: Uncertain significance for Inborn genetic diseases. Last evaluated: 2025-09-11. Review status: criteria provided, single submitter. Criteria: Ambry Variant Classification Scheme 2023. Collection method: clinical testing. Allele origin: germline.
Comment: The p.I612V variant (also known as c.1834A>G), located in coding exon 11 of the FANCM gene, results from an A to G substitution at nucleotide position 1834. The isoleucine at codon 612 is replaced by valine, an amino acid with highly similar properties. This amino acid position is conserved. In addition, this alteration is predicted to be tolerated by in silico analysis. Based on the available evidence, the clinical significance of this variant remains unclear.

NM_020937.4(FANCM):c.1834A>G (p.Ile612Val)

Gene: FANCM (FA complementation group M; plus strand). Cytogenetic location: 14q21.2.
Variant type: single nucleotide variant.
Coding change: c.1834A>G on transcript NM_020937.4 (MANE Select); coding-DNA position 1834, A replaced by G.
Protein change: p.Ile612Val; replaces isoleucine 612 with valine.
Molecular consequence: missense variant.
Genome position (GRCh38, 1-based): chr14:45,166,995, A>G. VCF-style: chr14-45166995-A-G. GRCh37 (hg19) VCF-style: chr14-45636198-A-G.
Other names: c.1756A>G, p.Ile586Val (NM_001308133.2); c.1834A>G, p.Ile612Val (NM_001308134.2); short protein forms I586V, I612V.
Identifiers: ClinVar variation 4254749 (VCV004254749.1).